The following is an entry in ClinVar:

ClinVar aggregate classification (germline): Uncertain significance (1 of 4 stars; one submission).

Submission:

GeneDx
Classification: Uncertain significance. Last evaluated: 2025-03-24. Review status: criteria provided, single submitter. Criteria: GeneDx Variant Classification Process June 2021. Collection method: clinical testing. Allele origin: germline. Affected: yes.
Comment: Not observed at significant frequency in large population cohorts (gnomAD); In silico analysis supports that this missense variant has a deleterious effect on protein structure/function; Has not been previously published as pathogenic or benign to our knowledge

NM_001194.4(HCN2):c.1945C>T (p.Arg649Trp)

Gene: HCN2 (hyperpolarization activated cyclic nucleotide gated potassium and sodium channel 2; plus strand). Cytogenetic location: 19p13.3.
Variant type: single nucleotide variant.
Coding change: c.1945C>T on transcript NM_001194.4 (MANE Select); coding-DNA position 1945, C replaced by T.
Protein change: p.Arg649Trp; replaces arginine 649 with tryptophan.
Molecular consequence: missense variant.
Genome position (GRCh38, 1-based): chr19:613,971, C>T. VCF-style: chr19-613971-C-T. GRCh37 (hg19) VCF-style: chr19-613971-C-T.
Other names: short protein forms R649W.
Identifiers: ClinVar variation 4088085 (VCV004088085.1).